The following is an entry in ClinVar:

NM_000213.5(ITGB4):c.4756G>A (p.Val1586Met)

Genes: GALK1 (galactokinase 1; minus strand), ITGB4 (integrin subunit beta 4; plus strand). Cytogenetic location: 17q25.1.
Variant type: single nucleotide variant.
Coding change: c.4756G>A on transcript NM_000213.5 (MANE Select); coding-DNA position 4756, G replaced by A.
Protein change: p.Val1586Met; replaces valine 1586 with methionine.
Molecular consequence: missense variant. On other transcripts: intron variant (1).
Genome position (GRCh38, 1-based): chr17:75,756,476, G>A. VCF-style: chr17-75756476-G-A. GRCh37 (hg19) VCF-style: chr17-73752557-G-A.
Other names: c.4705G>A, p.Val1569Met (NM_001005619.2); c.4546G>A, p.Val1516Met (NM_001005731.3, NM_001321123.2); c.4396G>A, p.Val1466Met (NM_001438834.1); c.*22+1558C>T (NM_001381985.1); short protein forms V1516M, V1569M, V1586M, V1466M.
Identifiers: ClinVar variation 1938213 (VCV001938213.3), dbSNP rs763846014, ClinGen allele CA8770309.

ClinVar aggregate classification (germline): Uncertain significance (1 of 4 stars; one submission).

Allele frequency attached by ClinVar (database versions not stated): ExAC 0.00002.
gnomAD v4.1: 3 of 1,613,368 alleles (0.00019%); highest among the groups gnomAD compares: Admixed American, 0.0017%; no homozygotes.

Submission:

Labcorp Genetics (formerly Invitae), Labcorp
Classification: Uncertain significance. Last evaluated: 2022-05-03. Review status: criteria provided, single submitter. Criteria: Invitae Variant Classification Sherloc (09022015). Collection method: clinical testing. Allele origin: germline.
Comment: This sequence change replaces valine, which is neutral and non-polar, with methionine, which is neutral and non-polar, at codon 1516 of the ITGB4 protein (p.Val1516Met). This variant is present in population databases (rs763846014, gnomAD 0.002%). This variant has not been reported in the literature in individuals affected with ITGB4-related conditions. Algorithms developed to predict the effect of missense changes on protein structure and function are either unavailable or do not agree on the potential impact of this missense change (SIFT: "Not Available"; PolyPhen-2: "Possibly Damaging"; Align-GVGD: "Not Available"). In summary, the available evidence is currently insufficient to determine the role of this variant in disease. Therefore, it has been classified as a Variant of Uncertain Significance.